The following is an entry in ClinVar:

NM_001365999.1(SZT2):c.1234A>G (p.Ser412Gly)

Gene: SZT2 (SZT2 subunit of KICSTOR complex; plus strand). Cytogenetic location: 1p34.2.
Variant type: single nucleotide variant.
Coding change: c.1234A>G on transcript NM_001365999.1 (MANE Select); coding-DNA position 1234, A replaced by G.
Protein change: p.Ser412Gly; replaces serine 412 with glycine.
Molecular consequence: missense variant.
Genome position (GRCh38, 1-based): chr1:43,420,296, A>G. VCF-style: chr1-43420296-A-G. GRCh37 (hg19) VCF-style: chr1-43885967-A-G.
Other names: c.1234A>G, p.Ser412Gly (NM_015284.4); short protein forms S412G.
Identifiers: ClinVar variation 1355388 (VCV001355388.8), dbSNP rs1182214903, ClinGen allele CA340006946.
Genomic context (GRCh38, chr1:43,420,296, plus strand): 5'-GAGAAGGAGGTGCCAGCCGACTTGGTCAGCACTGTGTCCGTACGGCTTCGAGAGGGCTAC[A>G]GTGTCCGAGAGGTCACACTGGCCAAAGGTAAGGGTCATTAGGCCCTGCTGTAATCCCATA-3'
Protein context (NP_001352928.1, residues 402-422): TVSVRLREGY[Ser412Gly]VREVTLAKGG

ClinVar aggregate classification (germline): Uncertain significance (1 of 4 stars; one submission).

Submission:

Labcorp Genetics (formerly Invitae), Labcorp
Classification: Uncertain significance. Last evaluated: 2022-08-31. Review status: criteria provided, single submitter. Criteria: Invitae Variant Classification Sherloc (09022015). Collection method: clinical testing. Allele origin: germline.
Comment: This sequence change replaces serine, which is neutral and polar, with glycine, which is neutral and non-polar, at codon 412 of the SZT2 protein (p.Ser412Gly). In summary, the available evidence is currently insufficient to determine the role of this variant in disease. Therefore, it has been classified as a Variant of Uncertain Significance. Algorithms developed to predict the effect of missense changes on protein structure and function are either unavailable or do not agree on the potential impact of this missense change (SIFT: "Deleterious"; PolyPhen-2: "Possibly Damaging"; Align-GVGD: "Class C0"). ClinVar contains an entry for this variant (Variation ID: 1355388). This variant has not been reported in the literature in individuals affected with SZT2-related conditions. This variant is not present in population databases (gnomAD no frequency).